The following is an entry in ClinVar:

NM_001378457.1(DMXL2):c.88-19_88-3dup

Gene: DMXL2 (Dmx like 2; minus strand). Cytogenetic location: 15q21.2.
Variant type: Duplication.
Coding change: c.88-19_88-3dup on transcript NM_001378457.1 (MANE Select); 19 bases into the intron before coding-DNA position 88 through 3 bases into the intron before coding-DNA position 88, 17 bases duplicated (TTTTTTTTTTTTTTTTT).
Molecular consequence: intron variant.
Genome position (GRCh38, 1-based): chr15:51,576,184-51,576,200, AAAAAAAAAAAAAAAAA duplicated on the plus strand (TTTTTTTTTTTTTTTTT on the coding strand, the reverse complement: DMXL2 is on the minus strand); duplicating any 17 consecutive bases within chr15:51,576,184-51,576,203 gives the same sequence; the c. name uses the placement nearest the transcript's 3' end. VCF-style (leftmost placement, unchanged base first): chr15-51576183-T-TAAAAAAAAAAAAAAAAA. GRCh37 (hg19) VCF-style: chr15-51868380-T-TAAAAAAAAAAAAAAAAA.
Other names: c.88-19_88-3dup (NM_001378460.1, NM_001174117.3, NM_015263.5 and 7 more transcripts).
Identifiers: ClinVar variation 1653905 (VCV001653905.37), dbSNP rs3078066, ClinGen allele CA713626027.
Genomic context (GRCh38, chr15:51,576,183, plus strand): 5'-ATCTGTACACATTCAAAGTCATTTGCCAAAATAACAATATCACAGCCTGATCCATATGCC[T>TAAAAAAAAAAAAAAAAA]AAAAAAAAAAAAAAAAAAAAGTTTTACAATACATAAGATATGTAACTTTTGAAATCTTAT-3'

ClinVar aggregate classification (germline): Likely benign. Review status: criteria provided, multiple submitters, no conflicts (2 of 4 stars). 3 submissions from 3 submitters: Likely benign (3). Last evaluated 2026-02-03.

Submissions (3):

Labcorp Genetics (formerly Invitae), Labcorp
Classification: Likely benign. Last evaluated: 2026-02-03. Review status: criteria provided, single submitter. Criteria: Invitae Variant Classification Sherloc (09022015). Collection method: clinical testing. Allele origin: germline.

CeGaT Center for Human Genetics Tuebingen
Classification: Likely benign. Last evaluated: 2025-02-01. Review status: criteria provided, single submitter. Criteria: CeGaT Center For Human Genetics Tuebingen Variant Classification Criteria Version 2. Collection method: clinical testing. Allele origin: germline. Affected: yes. Observed: 7 variant alleles.
Comment: DMXL2: BS2

Blueprint Genetics
Classification: Likely benign. Last evaluated: 2024-11-27. Review status: criteria provided, single submitter. Criteria: ACMG Guidelines, 2015. Collection method: clinical testing. Allele origin: germline.